The following is an entry in ClinVar:

NM_001378687.1(ATP2C1):c.2058-1G>A

Gene: ATP2C1 (ATPase secretory pathway Ca2+ transporting 1; plus strand). Cytogenetic location: 3q22.1.
Variant type: single nucleotide variant.
Coding change: c.2058-1G>A on transcript NM_001378687.1 (MANE Select); the canonical splice acceptor site of the intron before coding-DNA position 2058, G replaced by A.
Molecular consequence: splice acceptor variant.
Genome position (GRCh38, 1-based): chr3:130,996,042, G>A. VCF-style: chr3-130996042-G-A. GRCh37 (hg19) VCF-style: chr3-130714886-G-A.
Other names: c.2160-1G>A (NM_001378511.1, NM_001199180.2, NM_001199181.3); c.2043-1G>A (NM_001199182.2); c.2058-1G>A (NM_001001486.2, NM_001001487.2, NM_001001485.3 and 5 more transcripts); c.2010-1G>A (NM_001378514.1, NM_001199183.2, NM_001199184.3).
Identifiers: ClinVar variation 1070045 (VCV001070045.10), dbSNP rs2108914971, ClinGen allele CA354535823.
Genomic context (GRCh38, chr3:130,996,042, plus strand): 5'-GTATAGATACATTTTTGTATGATAATATTTTCTCACTTCATCTTTATTTTTTAAATTTCA[G>A]GTCTGCAATCGAAGAGGGTAAAGGGATTTATAATAACATTAAAAATTTCGTTAGATTCCA-3'

ClinVar aggregate classification (germline): Pathogenic. Review status: criteria provided, multiple submitters, no conflicts (2 of 4 stars). 2 submissions from 2 submitters: Pathogenic (2). Last evaluated 2022-07-27.

Conditions:
ATP2C1-related disorder. Also called: ATP2C1-related condition.

Allele frequency attached by ClinVar (database versions not stated): gnomAD exomes below 0.00001.
gnomAD v4.1: 1 of 1,565,370 alleles (0.000064%); highest among the groups gnomAD compares: Non-Finnish European, 0.000088%; no homozygotes.

Submissions (2):

Labcorp Genetics (formerly Invitae), Labcorp
Classification: Pathogenic. Last evaluated: 2022-07-27. Review status: criteria provided, single submitter. Criteria: Invitae Variant Classification Sherloc (09022015). Collection method: clinical testing. Allele origin: germline.
Comment: This sequence change affects an acceptor splice site in intron 21 of the ATP2C1 gene. RNA analysis indicates that disruption of this splice site induces altered splicing and likely results in a shortened protein product. This variant is not present in population databases (gnomAD no frequency). Disruption of this splice site has been observed in individuals with Hailey-Hailey disease (PMID: 10615129, 20236194; Invitae). ClinVar contains an entry for this variant (Variation ID: 1070045). Studies have shown that disruption of this splice site results in skipping of exon 2, but is expected to preserve the integrity of the reading-frame (PMID: 10615129). For these reasons, this variant has been classified as Pathogenic.

Blueprint Genetics
Classification: Pathogenic for ATP2C1-related disorders. Last evaluated: 2019-06-29. Review status: criteria provided, single submitter. Criteria: ACMG Guidelines, 2015. Collection method: clinical testing. Allele origin: germline. Affected: yes. Observed: 1 variant allele.

Literature cited by the submitters: PubMed 10615129 (cited by Labcorp Genetics (formerly Invitae), Labcorp); PubMed 20236194 (cited by Labcorp Genetics (formerly Invitae), Labcorp).